The following is an entry in ClinVar:

ClinVar aggregate classification (germline): Uncertain significance (1 of 4 stars; one submission).

Conditions:
Microcephaly, normal intelligence and immunodeficiency (NBS). Also called: BERLIN BREAKAGE SYNDROME; Immunodeficiency, microcephaly with normal intelligence; Nijmegen breakage syndrome; Microcephaly with normal intelligence immunodeficiency and lymphoreticular malignancies; Nonsyndromal microcephaly autosomal recessive with normal intelligence; Seemanova syndrome 2. Identifiers: Orphanet 647, MedGen C0398791, MONDO:0009623, OMIM 251260.

Submission:

Labcorp Genetics (formerly Invitae), Labcorp
Classification: Uncertain significance for Microcephaly, normal intelligence and immunodeficiency. Last evaluated: 2020-10-13. Review status: criteria provided, single submitter. Criteria: Invitae Variant Classification Sherloc (09022015). Collection method: clinical testing. Allele origin: germline.
Comment: In summary, the available evidence is currently insufficient to determine the role of this variant in disease. Therefore, it has been classified as a Variant of Uncertain Significance. Algorithms developed to predict the effect of missense changes on protein structure and function are either unavailable or do not agree on the potential impact of this missense change (SIFT: "Tolerated"; PolyPhen-2: "Possibly Damaging"; Align-GVGD: "Class C0"). This variant has not been reported in the literature in individuals with NBN-related conditions. This variant is not present in population databases (ExAC no frequency). This sequence change replaces serine with tyrosine at codon 488 of the NBN protein (p.Ser488Tyr). The serine residue is moderately conserved and there is a large physicochemical difference between serine and tyrosine.

NM_002485.5(NBN):c.1463C>A (p.Ser488Tyr)

Gene: NBN (nibrin; minus strand). Cytogenetic location: 8q21.3.
Variant type: single nucleotide variant.
Coding change: c.1463C>A on transcript NM_002485.5 (MANE Select); coding-DNA position 1463, C replaced by A.
Protein change: p.Ser488Tyr; replaces serine 488 with tyrosine.
Molecular consequence: missense variant.
Genome position (GRCh38, 1-based): chr8:89,953,626, G>T on the plus strand (C>A on the coding strand, the complement: NBN is on the minus strand). VCF-style: chr8-89953626-G-T. GRCh37 (hg19) VCF-style: chr8-90965854-G-T.
Other names: c.1217C>A, p.Ser406Tyr (NM_001024688.3); short protein forms S406Y, S488Y.
Identifiers: ClinVar variation 1025470 (VCV001025470.8), dbSNP rs1060503472, ClinGen allele CA371655800.